The following is an entry in ClinVar:

ClinVar aggregate classification (germline): Likely benign (0 of 4 stars; one submission).

Conditions:
SH2B1-related disorder. Also called: SH2B1-related condition.

gnomAD v4.1: 4 of 1,594,500 alleles (0.00025%); highest among the groups gnomAD compares: Non-Finnish European, 0.00034%; no homozygotes.

Submission:

PreventionGenetics, part of Exact Sciences
Classification: Likely benign for SH2B1-related condition. Last evaluated: 2023-03-09. Review status: no assertion criteria provided. Collection method: clinical testing. Allele origin: germline.
Comment: This variant is classified as likely benign based on ACMG/AMP sequence variant interpretation guidelines (Richards et al. 2015 PMID: 25741868, with internal and published modifications).

NM_001387430.1(SH2B1):c.1725+7C>T

Gene: SH2B1 (SH2B adaptor protein 1; plus strand). Cytogenetic location: 16p11.2.
Variant type: single nucleotide variant.
Coding change: c.1725+7C>T on transcript NM_001387430.1 (MANE Select); 7 bases into the intron after coding-DNA position 1725, C replaced by T.
Molecular consequence: intron variant.
Genome position (GRCh38, 1-based): chr16:28,872,408, C>T. VCF-style: chr16-28872408-C-T. GRCh37 (hg19) VCF-style: chr16-28883729-C-T.
Other names: c.1725+7C>T (NM_001308293.2, NM_001387404.1, NM_015503.3 and 4 more transcripts); c.717+7C>T (NM_001308294.2).
Identifiers: ClinVar variation 3356220 (VCV003356220.1).
Genomic context (GRCh38, chr16:28,872,408, plus strand): 5'-GAGACAAGGCGGGGTGAATACGTCCTCACCTTCAACTTCCAGGGCAAGGCCAAGGTGAGC[C>T]ACCCTGTGGGAAAGGCTCTGTTCTGTGCATAGTTGGCAGTGGGGTGGGGGAGCACTGCCG-3'